The following is an entry in ClinVar:

ClinVar aggregate classification (germline): Uncertain significance (1 of 4 stars; one submission).

Conditions:
LAMA2-related muscular dystrophy (LAMA2-RD). Also called: Laminin alpha 2-related dystrophy. Identifiers: MedGen C5679788, MONDO:0100228.

Submission:

Labcorp Genetics (formerly Invitae), Labcorp
Classification: Uncertain significance for LAMA2-related muscular dystrophy. Last evaluated: 2021-09-25. Review status: criteria provided, single submitter. Criteria: Invitae Variant Classification Sherloc (09022015). Collection method: clinical testing. Allele origin: germline.
Comment: In summary, the available evidence is currently insufficient to determine the role of this variant in disease. Therefore, it has been classified as a Variant of Uncertain Significance. Algorithms developed to predict the effect of missense changes on protein structure and function are either unavailable or do not agree on the potential impact of this missense change (SIFT: "Deleterious"; PolyPhen-2: "Probably Damaging"; Align-GVGD: "Class C0"). This variant has not been reported in the literature in individuals with LAMA2-related conditions. This variant is not present in population databases (ExAC no frequency). This sequence change replaces leucine with serine at codon 2565 of the LAMA2 protein (p.Leu2565Ser). The leucine residue is moderately conserved and there is a large physicochemical difference between leucine and serine.

NM_000426.4(LAMA2):c.7694T>C (p.Leu2565Ser)

Gene: LAMA2 (laminin subunit alpha 2; plus strand). Cytogenetic location: 6q22.33.
Variant type: single nucleotide variant.
Coding change: c.7694T>C on transcript NM_000426.4 (MANE Select); coding-DNA position 7694, T replaced by C.
Protein change: p.Leu2565Ser; replaces leucine 2565 with serine.
Molecular consequence: missense variant.
Genome position (GRCh38, 1-based): chr6:129,481,384, T>C. VCF-style: chr6-129481384-T-C. GRCh37 (hg19) VCF-style: chr6-129802529-T-C.
Other names: c.7682T>C, p.Leu2561Ser (NM_001079823.2); short protein forms L2565S, L2561S.
Identifiers: ClinVar variation 1401419 (VCV001401419.9), dbSNP rs2114839622, ClinGen allele CA365628251.